The following is an entry in ClinVar:

ClinVar aggregate classification (germline): Uncertain significance. Review status: criteria provided, multiple submitters, no conflicts (2 of 4 stars). 5 submissions from 5 submitters: Uncertain significance (5). Last evaluated 2026-09-08.

Conditions:
Bardet-Biedl syndrome (BBS). Identifiers: Orphanet 110, MedGen C0752166, MONDO:0015229.
BBS2-related disorder. Also called: BBS2-related condition; BBS2-related disorders. Identifiers: MedGen CN239228.
Retinitis pigmentosa 74 (RP74). Identifiers: Orphanet 791, MedGen C4225281, MONDO:0014692, OMIM 616562.
Bardet-Biedl syndrome 2 (BBS2). Identifiers: Orphanet 110, MedGen C2936863, MONDO:0014432, OMIM 615981.
Inborn genetic diseases. Identifiers: MedGen C0950123, MeSH D030342.

Allele frequency attached by ClinVar (database versions not stated): TOPMed 0.00003; gnomAD exomes 0.00005; gnomAD 0.00009; ExAC 0.00010; 1000 Genomes Project 30x 0.00078; 1000 Genomes Project 0.00080.
gnomAD v4.1: 89 of 1,613,962 alleles (0.0055%); highest among the groups gnomAD compares: South Asian, 0.058%; 1 homozygote.

Submissions (5):

PreventionGenetics, part of Exact Sciences
Classification: Uncertain significance for BBS2-related condition. Last evaluated: 2026-09-08. Review status: criteria provided, single submitter. Criteria: ACMG Guidelines, 2015. Collection method: clinical testing. Allele origin: germline.
Comment: The BBS2 c.892C>T variant is predicted to result in the amino acid substitution p.Arg298Trp. To our knowledge, this variant has not been reported in the literature. This variant is reported in 0.069% of alleles in individuals of South Asian descent in gnomAD. Although we suspect that this variant may be benign, at this time, the clinical significance of this variant is uncertain due to the absence of conclusive functional and genetic evidence.

Ambry Genetics
Classification: Uncertain significance for Inborn genetic diseases. Last evaluated: 2025-08-22. Review status: criteria provided, single submitter. Criteria: Ambry Variant Classification Scheme 2023. Collection method: clinical testing. Allele origin: germline.

Labcorp Genetics (formerly Invitae), Labcorp
Classification: Uncertain significance for Bardet-Biedl syndrome. Last evaluated: 2025-04-28. Review status: criteria provided, single submitter. Criteria: Invitae Variant Classification Sherloc (09022015). Collection method: clinical testing. Allele origin: germline.
Comment: This sequence change replaces arginine, which is basic and polar, with tryptophan, which is neutral and slightly polar, at codon 298 of the BBS2 protein (p.Arg298Trp). This variant is present in population databases (rs564480063, gnomAD 0.07%), including at least one homozygous and/or hemizygous individual. This variant has not been reported in the literature in individuals affected with BBS2-related conditions. ClinVar contains an entry for this variant (Variation ID: 2045186). Invitae Evidence Modeling of protein sequence and biophysical properties (such as structural, functional, and spatial information, amino acid conservation, physicochemical variation, residue mobility, and thermodynamic stability) indicates that this missense variant is expected to disrupt BBS2 protein function with a positive predictive value of 80%. In summary, the available evidence is currently insufficient to determine the role of this variant in disease. Therefore, it has been classified as a Variant of Uncertain Significance.

Blueprint Genetics
Classification: Uncertain significance. Last evaluated: 2024-07-23. Review status: criteria provided, single submitter. Criteria: ACMG Guidelines, 2015. Collection method: clinical testing. Allele origin: germline.

Fulgent Genetics
Classification: Uncertain significance for Bardet-Biedl syndrome 2; Retinitis pigmentosa 74. Last evaluated: 2024-05-02. Review status: criteria provided, single submitter. Criteria: ACMG Guidelines, 2015. Collection method: clinical testing. Allele origin: germline.

NM_031885.5(BBS2):c.892C>T (p.Arg298Trp)

Gene: BBS2 (Bardet-Biedl syndrome 2; minus strand). Cytogenetic location: 16q13.
Variant type: single nucleotide variant.
Coding change: c.892C>T on transcript NM_031885.5 (MANE Select); coding-DNA position 892, C replaced by T.
Protein change: p.Arg298Trp; replaces arginine 298 with tryptophan.
Molecular consequence: missense variant. On other transcripts: non-coding transcript variant (5).
Genome position (GRCh38, 1-based): chr16:56,502,721, G>A on the plus strand (C>T on the coding strand, the complement: BBS2 is on the minus strand). VCF-style: chr16-56502721-G-A. GRCh37 (hg19) VCF-style: chr16-56536633-G-A.
Other names: c.892C>T, p.Arg298Trp (NM_001377456.1); c.892C>T (NM_031885.3); short protein forms R298W.
Identifiers: ClinVar variation 2045186 (VCV002045186.7), dbSNP rs564480063, ClinGen allele CA8065891.
Genomic context (GRCh38, chr16:56,502,721, plus strand): 5'-ATCCCAATTTACTTTCCCCATCCACTGAGCAGCAGATTAACTGTATGTGGCCATCCATCC[G>A]GTAATCTCCCTCTACCACACCGGCAATTGCAGAAGAAAAATTGTCCTTAAAGATGACCTC-3'
Protein context (NP_114091.4, residues 288-308): AIAGVVEGDY[Arg298Trp]MDGHIQLICC